The following is an entry in ClinVar:

ClinVar aggregate classification (germline): Uncertain significance. Review status: criteria provided, multiple submitters, no conflicts (2 of 4 stars). 2 submissions from 2 submitters: Uncertain significance (2). Last evaluated 2022-08-23.

Conditions:
Emery-Dreifuss muscular dystrophy (EDMD). Also called: Scapuloperoneal syndrome, X-linked (formerly); Humeroperoneal neuromuscular disease, (formerly). Identifiers: Orphanet 261, MedGen C0410189, MONDO:0016830.

Allele frequency attached by ClinVar (database versions not stated): gnomAD 0.00001; TOPMed 0.00002.
gnomAD v4.1: 4 of 1,614,064 alleles (0.00025%); highest among the groups gnomAD compares: East Asian, 0.0067%; no homozygotes.

Submissions (2):

Labcorp Genetics (formerly Invitae), Labcorp
Classification: Uncertain significance for Emery-Dreifuss muscular dystrophy. Last evaluated: 2022-08-23. Review status: criteria provided, single submitter. Criteria: Invitae Variant Classification Sherloc (09022015). Collection method: clinical testing. Allele origin: germline.
Comment: ClinVar contains an entry for this variant (Variation ID: 582611). This sequence change replaces glycine, which is neutral and non-polar, with cysteine, which is neutral and slightly polar, at codon 528 of the SUN1 protein (p.Gly528Cys). This variant is present in population databases (rs549897796, gnomAD 0.007%). This variant has not been reported in the literature in individuals affected with SUN1-related conditions. Algorithms developed to predict the effect of missense changes on protein structure and function are either unavailable or do not agree on the potential impact of this missense change (SIFT: "Deleterious"; PolyPhen-2: "Possibly Damaging"; Align-GVGD: "Class C15"). In summary, the available evidence is currently insufficient to determine the role of this variant in disease. Therefore, it has been classified as a Variant of Uncertain Significance.

Ambry Genetics
Classification: Uncertain significance. Last evaluated: 2021-08-02. Review status: criteria provided, single submitter. Criteria: Ambry Variant Classification Scheme 2023. Collection method: clinical testing. Allele origin: germline.

NM_001130965.3(SUN1):c.1582G>T (p.Gly528Cys)

Gene: SUN1 (Sad1 and UNC84 domain containing 1; plus strand). Cytogenetic location: 7p22.3.
Variant type: single nucleotide variant.
Coding change: c.1582G>T on transcript NM_001130965.3 (MANE Select); coding-DNA position 1582, G replaced by T.
Protein change: p.Gly528Cys; replaces glycine 528 with cysteine.
Molecular consequence: missense variant. On other transcripts: non-coding transcript variant (3).
Genome position (GRCh38, 1-based): chr7:860,185, G>T. VCF-style: chr7-860185-G-T. GRCh37 (hg19) VCF-style: chr7-899822-G-T.
Other names: c.1549G>T, p.Gly517Cys (NM_001367672.1); c.1714G>T, p.Gly572Cys (NM_001367673.1, NM_001367706.1); c.1780G>T, p.Gly594Cys (NM_001367674.1); c.1732G>T, p.Gly578Cys (NM_001367675.1); c.1663G>T, p.Gly555Cys (NM_001367688.1); c.1543G>T, p.Gly515Cys (NM_001367689.1, NM_001367667.1); c.1873G>T, p.Gly625Cys (NM_001367690.1); c.1822G>T, p.Gly608Cys (NM_001367691.1, NM_001367636.1); and 43 more; short protein forms G528C, G445C, G472C, G495C, G505C, G515C, G532C, G544C.
Identifiers: ClinVar variation 582611 (VCV000582611.9), dbSNP rs549897796, ClinGen allele CA4112306.